The following is an entry in ClinVar:

NM_015488.5(PNKD):c.448G>T (p.Asp150Tyr)

Genes: CATIP-AS2 (CATIP antisense RNA 2; minus strand), PNKD (PNKD metallo-beta-lactamase domain containing; plus strand). Cytogenetic location: 2q35.
Variant type: single nucleotide variant.
Coding change: c.448G>T on transcript NM_015488.5 (MANE Select); coding-DNA position 448, G replaced by T.
Protein change: p.Asp150Tyr; replaces aspartic acid 150 with tyrosine.
Molecular consequence: missense variant.
Genome position (GRCh38, 1-based): chr2:218,340,124, G>T. VCF-style: chr2-218340124-G-T. GRCh37 (hg19) VCF-style: chr2-219204847-G-T.
Other names: c.376G>T, p.Asp126Tyr (NM_022572.5); short protein forms D126Y, D150Y.
Identifiers: ClinVar variation 2080307 (VCV002080307.4), dbSNP rs770623714, ClinGen allele CA350538817.

ClinVar aggregate classification (germline): Uncertain significance (1 of 4 stars; one submission).

Conditions:
Paroxysmal nonkinesigenic dyskinesia. Also called: Paroxysmal non-kinesigenic dyskinesia. Identifiers: Orphanet 98810, MedGen C1869117, MONDO:0700088.

Submission:

Labcorp Genetics (formerly Invitae), Labcorp
Classification: Uncertain significance for Paroxysmal nonkinesigenic dyskinesia. Last evaluated: 2022-04-28. Review status: criteria provided, single submitter. Criteria: Invitae Variant Classification Sherloc (09022015). Collection method: clinical testing. Allele origin: germline.
Comment: In summary, the available evidence is currently insufficient to determine the role of this variant in disease. Therefore, it has been classified as a Variant of Uncertain Significance. Algorithms developed to predict the effect of missense changes on protein structure and function (SIFT, PolyPhen-2, Align-GVGD) all suggest that this variant is likely to be disruptive. This variant has not been reported in the literature in individuals affected with PNKD-related conditions. This variant is not present in population databases (gnomAD no frequency). This sequence change replaces aspartic acid, which is acidic and polar, with tyrosine, which is neutral and polar, at codon 150 of the PNKD protein (p.Asp150Tyr).